The following is an entry in ClinVar:

NM_144573.4(NEXN):c.1662A>G (p.Lys554=)

Gene: NEXN (nexilin F-actin binding protein; plus strand). Cytogenetic location: 1p31.1.
Variant type: single nucleotide variant.
Coding change: c.1662A>G on transcript NM_144573.4 (MANE Select); coding-DNA position 1662, A replaced by G.
Protein change: p.Lys554=; no amino-acid change (lysine 554 retained).
Molecular consequence: synonymous variant.
Genome position (GRCh38, 1-based): chr1:77,942,463, A>G. VCF-style: chr1-77942463-A-G. GRCh37 (hg19) VCF-style: chr1-78408148-A-G.
Other names: c.1470A>G, p.Lys490= (NM_001172309.2).
Identifiers: ClinVar variation 1158112 (VCV001158112.12), dbSNP rs752270974, ClinGen allele CA918964.

ClinVar aggregate classification (germline): Conflicting classifications of pathogenicity. Review status: criteria provided, conflicting classifications (1 of 4 stars). 3 submissions from 3 submitters: Uncertain significance (2); Likely benign (1). Last evaluated 2026-03-27.

Conditions:
Hypertrophic cardiomyopathy 20. Identifiers: MedGen C3151267, MONDO:0013477, OMIM 613876.
Dilated cardiomyopathy 1CC (CMD1CC). Identifiers: Orphanet 154, MedGen C2751084, MONDO:0013147, OMIM 613122.
Cardiovascular phenotype. Identifiers: MedGen CN230736.

Allele frequency attached by ClinVar (database versions not stated): gnomAD 0.00003; gnomAD exomes 0.00002 and 0.00001; TOPMed 0.00007; ExAC 0.00002.
gnomAD v4.1: 9 of 1,613,294 alleles (0.00056%); highest among the groups gnomAD compares: African/African-American, 0.012%; no homozygotes.

Submissions (3):

Molecular Diagnostic Laboratory for Inherited Cardiovascular Disease, Montreal Heart Institute
Classification: Uncertain significance for Cardiovascular phenotype. Last evaluated: 2026-03-27. Review status: criteria provided, single submitter. Criteria: ACMG Guidelines, 2015. Collection method: clinical testing. Allele origin: germline. Affected: yes.

Labcorp Genetics (formerly Invitae), Labcorp
Classification: Likely benign for Dilated cardiomyopathy 1CC; Hypertrophic cardiomyopathy 20. Last evaluated: 2025-09-21. Review status: criteria provided, single submitter. Criteria: Invitae Variant Classification Sherloc (09022015). Collection method: clinical testing. Allele origin: germline.

Ambry Genetics
Classification: Uncertain significance for Cardiovascular phenotype. Last evaluated: 2023-06-14. Review status: criteria provided, single submitter. Criteria: Ambry Variant Classification Scheme 2023. Collection method: clinical testing. Allele origin: germline.
Comment: The c.1662A>G variant (also known as p.K554K),is located in coding exon 12 of the NEXN gene. This variant results from an A to G substitution at nucleotide position 1662. This nucleotide substitution does not change the lysine at codon 554. This nucleotide position is not well conserved in available vertebrate species. In silico splice site analysis predicts that this alteration will result in the creation or strengthening of a novel splice acceptor site. Since supporting evidence is limited at this time, the clinical significance of this alteration remains unclear.